The following is an entry in ClinVar:

NM_017633.3(TENT5A):c.71_72insTGGCGACTTCGGCGG (p.Gly45_Gly46insAspPheGlyGlyGly)

Gene: TENT5A (terminal nucleotidyltransferase 5A; minus strand). Cytogenetic location: 6q14.1.
Variant type: Microsatellite.
Coding change: c.71_72insTGGCGACTTCGGCGG on transcript NM_017633.3 (MANE Select); coding-DNA positions 71 to 72, TGGCGACTTCGGCGG inserted.
Protein change: p.Gly45_Gly46insAspPheGlyGlyGly.
Molecular consequence: inframe insertion.
Genome position: GRCh38 VCF-style: chr6-81752070-G-GCCGCCGAAGTCGCCA. GRCh37 (hg19) VCF-style: chr6-82461787-G-GCCGCCGAAGTCGCCA.
Identifiers: ClinVar variation 5041966 (VCV005041966.1).

ClinVar aggregate classification (germline): Uncertain significance (1 of 4 stars; one submission).

Conditions:
Fetal anomalies with a likely genetic cause.

Submission:

Genetics Laboratory, Great Ormond Street Hospital NHS Foundation Trust, North Thames Genomic Laboratory Hub
Classification: Uncertain significance for Fetal anomalies with a likely genetic cause. Last evaluated: 2026-09-05. Review status: criteria provided, single submitter. Criteria: ACGS Best Practice Guidelines for Variant Classification in Rare Disease 2024 v1.2. Collection method: clinical testing. Allele origin: germline. Affected: yes.
Comment: PM2_moderate, PM4_moderate